The following is an entry in ClinVar:

NM_001368397.1(FRMPD4):c.62G>A (p.Gly21Asp)

Gene: FRMPD4 (FERM and PDZ domain containing 4; plus strand). Cytogenetic location: Xp22.2.
Variant type: single nucleotide variant.
Coding change: c.62G>A on transcript NM_001368397.1 (MANE Select); coding-DNA position 62, G replaced by A.
Protein change: p.Gly21Asp; replaces glycine 21 with aspartic acid.
Molecular consequence: missense variant. On other transcripts: 5 prime UTR variant (1).
Genome position (GRCh38, 1-based): chrX:12,498,700, G>A. VCF-style: chrX-12498700-G-A. GRCh37 (hg19) VCF-style: chrX-12516819-G-A.
Other names: c.173G>A, p.Gly58Asp (NM_001368395.3, NM_001368398.3); c.62G>A, p.Gly21Asp (NM_001368396.3, NM_014728.3); c.53G>A, p.Gly18Asp (NM_001368399.3); c.-59G>A (NM_001368400.3); c.38G>A, p.Gly13Asp (NM_001368401.1, NM_001368402.3); short protein forms G13D, G18D, G21D, G58D.
Identifiers: ClinVar variation 2581963 (VCV002581963.1), dbSNP rs1483474215, ClinGen allele CA412067646.

ClinVar aggregate classification (germline): Uncertain significance (1 of 4 stars; one submission).

gnomAD v4.1: 1 of 1,193,380 alleles (0.000084%); highest among the groups gnomAD compares: Non-Finnish European, 0.00011%; no homozygotes.

Submission:

GeneDx
Classification: Uncertain significance. Last evaluated: 2023-03-29. Review status: criteria provided, single submitter. Criteria: GeneDx Variant Classification Process June 2021. Collection method: clinical testing. Allele origin: germline. Affected: yes.
Comment: Not observed at significant frequency in large population cohorts (gnomAD); In silico analysis supports that this missense variant does not alter protein structure/function; Has not been previously published as pathogenic or benign to our knowledge